The following is an entry in ClinVar:

ClinVar aggregate classification (germline): Uncertain significance (1 of 4 stars; one submission).

Allele frequency attached by ClinVar (database versions not stated): gnomAD 0.00001; gnomAD exomes 0.00002.

Submission:

Labcorp Genetics (formerly Invitae), Labcorp
Classification: Uncertain significance. Last evaluated: 2022-03-10. Review status: criteria provided, single submitter. Criteria: Invitae Variant Classification Sherloc (09022015). Collection method: clinical testing. Allele origin: germline.
Comment: This sequence change replaces aspartic acid, which is acidic and polar, with asparagine, which is neutral and polar, at codon 74 of the CDHR1 protein (p.Asp74Asn). This variant is not present in population databases (gnomAD no frequency). This variant has not been reported in the literature in individuals affected with CDHR1-related conditions. Advanced modeling of protein sequence and biophysical properties (such as structural, functional, and spatial information, amino acid conservation, physicochemical variation, residue mobility, and thermodynamic stability) performed at Invitae indicates that this missense variant is not expected to disrupt CDHR1 protein function. In summary, the available evidence is currently insufficient to determine the role of this variant in disease. Therefore, it has been classified as a Variant of Uncertain Significance.

NM_033100.4(CDHR1):c.220G>A (p.Asp74Asn)

Gene: CDHR1 (cadherin related family member 1; plus strand). Cytogenetic location: 10q23.1.
Variant type: single nucleotide variant.
Coding change: c.220G>A on transcript NM_033100.4 (MANE Select); coding-DNA position 220, G replaced by A.
Protein change: p.Asp74Asn; replaces aspartic acid 74 with asparagine.
Molecular consequence: missense variant.
Genome position (GRCh38, 1-based): chr10:84,196,573, G>A. VCF-style: chr10-84196573-G-A. GRCh37 (hg19) VCF-style: chr10-85956329-G-A.
Other names: c.220G>A, p.Asp74Asn (NM_001171971.3); short protein forms D74N.
Identifiers: ClinVar variation 1389228 (VCV001389228.3), dbSNP rs1320858210, ClinGen allele CA377370333.